The following is an entry in ClinVar:

ClinVar aggregate classification (germline): Likely pathogenic (1 of 4 stars; one submission).

gnomAD v4.1: 15 of 1,613,044 alleles (0.00093%); highest among the groups gnomAD compares: Non-Finnish European, 0.0013%; no homozygotes.

Submission:

GeneDx
Classification: Likely pathogenic. Last evaluated: 2024-04-30. Review status: criteria provided, single submitter. Criteria: GeneDx Variant Classification Process June 2021. Collection method: clinical testing. Allele origin: germline. Affected: yes.
Comment: Nonsense variant predicted to result in protein truncation or nonsense mediated decay in a gene for which loss of function is a known mechanism of disease; Not observed at significant frequency in large population cohorts (gnomAD); Has not been previously published as pathogenic or benign to our knowledge

NM_198060.4(NRAP):c.4219C>T (p.Gln1407Ter)

Gene: NRAP (nebulin related anchoring protein; minus strand). Cytogenetic location: 10q25.3.
Variant type: single nucleotide variant.
Coding change: c.4219C>T on transcript NM_198060.4 (MANE Select); coding-DNA position 4219, C replaced by T.
Protein change: p.Gln1407Ter; replaces glutamine 1407 with a stop codon.
Molecular consequence: nonsense.
Genome position (GRCh38, 1-based): chr10:113,604,617, G>A on the plus strand (C>T on the coding strand, the complement: NRAP is on the minus strand). VCF-style: chr10-113604617-G-A. GRCh37 (hg19) VCF-style: chr10-115364376-G-A.
Other names: c.4219C>T, p.Gln1407Ter (NM_001261463.2); c.4111C>T, p.Gln1371Ter (NM_001322945.2); c.4114C>T, p.Gln1372Ter (NM_006175.5); short protein forms Q1371*, Q1372*, Q1407*.
Identifiers: ClinVar variation 3372657 (VCV003372657.1).